The following is an entry in ClinVar:

NM_001363118.2(SLC52A2):c.1001+17A>T

Gene: SLC52A2 (solute carrier family 52 member 2; plus strand). Cytogenetic location: 8q24.3.
Variant type: single nucleotide variant.
Coding change: c.1001+17A>T on transcript NM_001363118.2 (MANE Select); 17 bases into the intron after coding-DNA position 1001, A replaced by T.
Molecular consequence: intron variant.
Genome position (GRCh38, 1-based): chr8:144,360,510, A>T. VCF-style: chr8-144360510-A-T. GRCh37 (hg19) VCF-style: chr8-145584170-A-T.
Other names: c.1001+17A>T (NM_001253816.2, NM_001363121.2, NM_001363120.2 and 2 more transcripts); c.509+17A>T (NM_001363122.2).
Identifiers: ClinVar variation 385382 (VCV000385382.1), dbSNP rs1057522210, ClinGen allele CA16606026.

ClinVar aggregate classification (germline): Likely benign (1 of 4 stars; one submission).

Submission:

GeneDx
Classification: Likely benign. Last evaluated: 2016-04-12. Review status: criteria provided, single submitter. Criteria: GeneDx Variant Classification (06012015). Collection method: clinical testing. Allele origin: germline. Affected: yes.
Comment: This variant is considered likely benign or benign based on one or more of the following criteria: it is a conservative change, it occurs at a poorly conserved position in the protein, it is predicted to be benign by multiple in silico algorithms, and/or has population frequency not consistent with disease.